The following is an entry in ClinVar:

ClinVar aggregate classification (germline): Pathogenic (1 of 4 stars; one submission).

Conditions:
Familial adenomatous polyposis 1 (FAP1). Also called: POLYPOSIS, ADENOMATOUS INTESTINAL; FAMILIAL ADENOMATOUS POLYPOSIS 1, ATTENUATED. Identifiers: MedGen C2713442, MONDO:0021056, OMIM 175100. Disease mechanism: loss of function.

Submission:

Labcorp Genetics (formerly Invitae), Labcorp
Classification: Pathogenic for Familial adenomatous polyposis 1. Last evaluated: 2023-09-22. Review status: criteria provided, single submitter. Criteria: Invitae Variant Classification Sherloc (09022015). Collection method: clinical testing. Allele origin: germline.
Comment: This variant is expected to disrupt the EB1 and HDLG binding sites, which mediate interactions with the cytoskeleton (PMID: 15311282, 17293347). While functional studies have not been performed to directly test the effect on APC protein function, this suggests that disruption of the C-terminal portion of the protein is functionally important. A different truncation (p.Tyr2645Lysfs*14) that lies downstream of this variant has been determined to be pathogenic (PMID: 9824584, 1316610, 27081525, 8381579, 22135120, Invitae). This suggests that deletion of this region of the APC protein is causative of disease. For these reasons, this variant has been classified as Pathogenic. This variant has not been reported in the literature in individuals affected with APC-related conditions. This variant is not present in population databases (gnomAD no frequency). This sequence change creates a premature translational stop signal (p.Cys1274Leufs*2) in the APC gene. While this is not anticipated to result in nonsense mediated decay, it is expected to disrupt the last 1570 amino acid(s) of the APC protein.

Literature cited by the submitters: PubMed 15311282; PubMed 17293347; PubMed 9824584; PubMed 1316610; PubMed 27081525; PubMed 8381579; PubMed 22135120.

NM_000038.6(APC):c.3820dup (p.Cys1274fs)

Gene: APC (APC regulator of Wnt signaling pathway; plus strand). Cytogenetic location: 5q22.2.
Variant type: Duplication.
Coding change: c.3820dup on transcript NM_000038.6 (MANE Select); coding-DNA position 3820, one base duplicated (T; older notation c.3820dupT).
Protein change: p.Cys1274fs; shifts the reading frame from cysteine 1274.
Molecular consequence: frameshift variant. On other transcripts: non-coding transcript variant (2).
Genome position (GRCh38, 1-based): chr5:112,839,414, T duplicated. VCF-style (leftmost placement, unchanged base first): chr5-112839413-A-AT. GRCh37 (hg19) VCF-style: chr5-112175110-A-AT.
Other names: c.3820dup, p.Cys1274fs (NM_001127510.3, NM_001354895.2, NM_001407450.1); c.3766dup, p.Cys1256fs (NM_001127511.3); c.3874dup, p.Cys1292fs (NM_001354896.2, NM_001407447.1, NM_001407448.1 and 1 more transcripts); c.3850dup, p.Cys1284fs (NM_001354897.2); c.3745dup, p.Cys1249fs (NM_001354898.2); c.3736dup, p.Cys1246fs (NM_001354899.2); c.3697dup, p.Cys1233fs (NM_001354900.2); c.3643dup, p.Cys1215fs (NM_001354901.2, NM_001407453.1); and 11 more; short protein forms C1173fs, C1249fs, C1191fs, C1233fs, C1246fs, C1256fs, C1274fs, C991fs.
Identifiers: ClinVar variation 2762784 (VCV002762784.3), dbSNP rs2533527089, ClinGen allele CA2697546403.